The following is an entry in ClinVar:

NM_003859.3(DPM1):c.122C>G (p.Pro41Arg)

Genes: DPM1 (dolichyl-phosphate mannosyltransferase subunit 1, catalytic; minus strand), LOC130066166 (ATAC-STARR-seq lymphoblastoid active region 18108; plus strand). Cytogenetic location: 20q13.13.
Variant type: single nucleotide variant.
Coding change: c.122C>G on transcript NM_003859.3 (MANE Select); coding-DNA position 122, C replaced by G.
Protein change: p.Pro41Arg; replaces proline 41 with arginine.
Molecular consequence: missense variant. On other transcripts: non-coding transcript variant (1).
Genome position (GRCh38, 1-based): chr20:50,958,402, G>C on the plus strand (C>G on the coding strand, the complement: DPM1 is on the minus strand). VCF-style: chr20-50958402-G-C. GRCh37 (hg19) VCF-style: chr20-49574939-G-C.
Other names: c.122C>G, p.Pro41Arg (NM_001317034.1, NM_001317035.1, NM_001317036.1); short protein forms P41R.
Identifiers: ClinVar variation 1399079 (VCV001399079.6), dbSNP rs2123155224, ClinGen allele CA408980732.

ClinVar aggregate classification (germline): Uncertain significance (1 of 4 stars; one submission).

Conditions:
Congenital disorder of glycosylation type 1E (CDG1E). Also called: CONGENITAL DISORDER OF GLYCOSYLATION, TYPE Ie; CDG Ie. Identifiers: Orphanet 79322, MedGen C1837396, MONDO:0012123, OMIM 608799.

gnomAD v4.1: 4 of 1,614,022 alleles (0.00025%); highest among the groups gnomAD compares: Non-Finnish European, 0.00034%; no homozygotes.

Submission:

Labcorp Genetics (formerly Invitae), Labcorp
Classification: Uncertain significance for Congenital disorder of glycosylation type 1E. Last evaluated: 2022-11-08. Review status: criteria provided, single submitter. Criteria: Invitae Variant Classification Sherloc (09022015). Collection method: clinical testing. Allele origin: germline.
Comment: In summary, the available evidence is currently insufficient to determine the role of this variant in disease. Therefore, it has been classified as a Variant of Uncertain Significance. Algorithms developed to predict the effect of missense changes on protein structure and function are either unavailable or do not agree on the potential impact of this missense change (SIFT: "Deleterious"; PolyPhen-2: "Possibly Damaging"; Align-GVGD: "Class C0"). ClinVar contains an entry for this variant (Variation ID: 1399079). This variant has not been reported in the literature in individuals affected with DPM1-related conditions. This variant is not present in population databases (gnomAD no frequency). This sequence change replaces proline, which is neutral and non-polar, with arginine, which is basic and polar, at codon 41 of the DPM1 protein (p.Pro41Arg).